The following is an entry in ClinVar:

ClinVar aggregate classification (germline): Pathogenic (1 of 4 stars; one submission).

Submission:

GeneDx
Classification: Pathogenic. Last evaluated: 2026-01-27. Review status: criteria provided, single submitter. Criteria: GeneDx Variant Classification Process June 2021. Collection method: clinical testing. Allele origin: germline.
Comment: Nonsense variant predicted to result in protein truncation, as the last 703 amino acid(s) are lost, and other loss-of-function variants have been reported downstream in HGMD; Not observed at significant frequency in large population cohorts (gnomAD); This variant is associated with the following publications: (PMID: 37086723)

NM_012330.4(KAT6B):c.4111G>T (p.Glu1371Ter)

Gene: KAT6B (lysine acetyltransferase 6B; plus strand). Cytogenetic location: 10q22.2.
Variant type: single nucleotide variant.
Coding change: c.4111G>T on transcript NM_012330.4 (MANE Select); coding-DNA position 4111, G replaced by T.
Protein change: p.Glu1371Ter; replaces glutamic acid 1371 with a stop codon.
Molecular consequence: nonsense.
Genome position (GRCh38, 1-based): chr10:75,028,935, G>T. VCF-style: chr10-75028935-G-T. GRCh37 (hg19) VCF-style: chr10-76788693-G-T.
Other names: c.3562G>T, p.Glu1188Ter (NM_001256468.2, NM_001370138.1); c.3235G>T, p.Glu1079Ter (NM_001256469.2, NM_001370139.1, NM_001370140.1 and 2 more transcripts); c.3073G>T, p.Glu1025Ter (NM_001370132.1); c.2422G>T, p.Glu808Ter (NM_001370133.1); c.2026G>T, p.Glu676Ter (NM_001370134.1); c.1768G>T, p.Glu590Ter (NM_001370135.1); c.4111G>T, p.Glu1371Ter (NM_001370136.1, NM_001370137.1); c.3046G>T, p.Glu1016Ter (NM_001370143.1, NM_001370144.1); short protein forms E1016*, E1025*, E1079*, E1188*, E1371*, E590*, E676*, E808*.
Identifiers: ClinVar variation 4888134 (VCV004888134.1).